The following is an entry in ClinVar:

ClinVar aggregate classification (germline): Likely benign (1 of 4 stars; one submission).

Conditions:
Angelman syndrome (AS). Also called: HAPPY PUPPET SYNDROME. Identifiers: Orphanet 72, MedGen C0162635, MONDO:0007113, OMIM 105830. Disease mechanism: loss of function. Inheritance: AS is caused by disruption of maternally imprinted UBE3A located within the 15q11.2-q13 Angelman syndrome/Prader-Willi syndrome (AS/PWS) region., imprinting disorder.

Allele frequency attached by ClinVar (database versions not stated): gnomAD exomes 0.00001; ExAC 0.00002.
gnomAD v4.1: 12 of 1,613,822 alleles (0.00074%); highest among the groups gnomAD compares: East Asian, 0.022%; no homozygotes.

Submission:

3billion
Classification: Likely benign for Angelman syndrome. Last evaluated: 2021-10-02. Review status: criteria provided, single submitter. Criteria: ACMG Guidelines, 2015. Collection method: clinical testing. Allele origin: unknown. Affected: yes. Observed: 1 heterozygote.
Comment: The variant is observed as heterozygous in at least three unrelated individuals/adults in the 3billion dataset and therefore considered benign.

NM_130839.5(UBE3A):c.20+465G>A

Genes: SNHG14 (small nucleolar RNA host gene 14; plus strand), UBE3A (ubiquitin protein ligase E3A; minus strand). Cytogenetic location: 15q11.2.
Variant type: single nucleotide variant.
Coding change: c.20+465G>A on transcript NM_130839.5 (MANE Select); 465 bases into the intron after coding-DNA position 20, G replaced by A.
Molecular consequence: intron variant. On other transcripts: nonsense (1), 5 prime UTR variant (7).
Genome position (GRCh38, 1-based): chr15:25,408,623, C>T on the plus strand (G>A on the coding strand, the complement: UBE3A is on the minus strand). VCF-style: chr15-25408623-C-T. GRCh37 (hg19) VCF-style: chr15-25653770-C-T.
Other names: c.26G>A, p.Trp9Ter (NM_000462.5); c.-115G>A (NM_001354506.2); c.-288G>A (NM_001354509.2); c.-240G>A (NM_001354526.1, NM_001354541.2); c.-190G>A (NM_001354543.2); c.-206G>A (NM_001354544.2); c.-1597G>A (NM_001374461.1); c.-116+29866G>A (NM_001354546.2); and 8 more; short protein forms W9*.
Identifiers: ClinVar variation 1320183 (VCV001320183.2), dbSNP rs765727905, ClinGen allele CA7435744.